The following is an entry in ClinVar:

NM_001101.5(ACTB):c.265A>G (p.Thr89Ala)

Gene: ACTB (actin beta; minus strand). Cytogenetic location: 7p22.1.
Variant type: single nucleotide variant.
Coding change: c.265A>G on transcript NM_001101.5 (MANE Select); coding-DNA position 265, A replaced by G.
Protein change: p.Thr89Ala; replaces threonine 89 with alanine.
Molecular consequence: missense variant.
Genome position (GRCh38, 1-based): chr7:5,529,259, T>C on the plus strand (A>G on the coding strand, the complement: ACTB is on the minus strand). VCF-style: chr7-5529259-T-C. GRCh37 (hg19) VCF-style: chr7-5568890-T-C.
Other names: short protein forms T89A.
Identifiers: ClinVar variation 2703587 (VCV002703587.3), dbSNP rs2533850219, ClinGen allele CA366704543.

ClinVar aggregate classification (germline): Uncertain significance (1 of 4 stars; one submission).

Conditions:
Baraitser-Winter syndrome 1 (BRWS1). Also called: BARAITSER-WINTER SYNDROME 1, ATYPICAL; PACHYGYRIA, MENTAL RETARDATION, EPILEPSY, AND CHARACTERISTIC FACIES; MENTAL RETARDATION WITH EPILEPSY AND CHARACTERISTIC FACIES; Cerebrofrontofacial syndrome. Identifiers: Orphanet 2649, Orphanet 2995, MedGen C1855722, MONDO:0009470, OMIM 243310.

Submission:

Labcorp Genetics (formerly Invitae), Labcorp
Classification: Uncertain significance for Baraitser-Winter syndrome 1. Last evaluated: 2023-12-25. Review status: criteria provided, single submitter. Criteria: Invitae Variant Classification Sherloc (09022015). Collection method: clinical testing. Allele origin: germline.
Comment: This sequence change replaces threonine, which is neutral and polar, with alanine, which is neutral and non-polar, at codon 89 of the ACTB protein (p.Thr89Ala). This variant is not present in population databases (gnomAD no frequency). This variant has not been reported in the literature in individuals affected with ACTB-related conditions. Advanced modeling of protein sequence and biophysical properties (such as structural, functional, and spatial information, amino acid conservation, physicochemical variation, residue mobility, and thermodynamic stability) performed at Invitae indicates that this missense variant is not expected to disrupt ACTB protein function with a negative predictive value of 80%. In summary, the available evidence is currently insufficient to determine the role of this variant in disease. Therefore, it has been classified as a Variant of Uncertain Significance.